The following is an entry in ClinVar:

NM_001009944.3(PKD1):c.151T>A (p.Cys51Ser)

Gene: PKD1 (polycystin 1, transient receptor potential channel interacting; minus strand). Cytogenetic location: 16p13.3.
Variant type: single nucleotide variant.
Coding change: c.151T>A on transcript NM_001009944.3 (MANE Select); coding-DNA position 151, T replaced by A.
Protein change: p.Cys51Ser; replaces cysteine 51 with serine.
Molecular consequence: missense variant.
Genome position (GRCh38, 1-based): chr16:2,135,539, A>T on the plus strand (T>A on the coding strand, the complement: PKD1 is on the minus strand). VCF-style: chr16-2135539-A-T. GRCh37 (hg19) VCF-style: chr16-2185540-A-T.
Other names: c.151T>A, p.Cys51Ser (NM_000296.4); short protein forms C51S.
Identifiers: ClinVar variation 3066097 (VCV003066097.1), dbSNP rs2151858256, ClinGen allele CA394282416.

ClinVar aggregate classification (germline): Uncertain significance (1 of 4 stars; one submission).

Conditions:
Polycystic kidney disease, adult type (PKD1). Also called: Polycystic Kidney, Autosomal Dominant; POLYCYSTIC KIDNEY DISEASE 1 WITH OR WITHOUT POLYCYSTIC LIVER DISEASE; Polycystic Kidney Disease 1, Autosomal Dominant; Polycystic kidney disease 1; Polycystic kidney disease 1, severe; POLYCYSTIC KIDNEY DISEASE, ADULT, TYPE I. Identifiers: MedGen C3149841, MONDO:0008263, OMIM 173900.

Submission:

MVZ Medizinische Genetik Mainz
Classification: Uncertain significance for Polycystic kidney disease, adult type. Last evaluated: 2022-10-26. Review status: criteria provided, single submitter. Criteria: UK Practice Guidelines For Variant Classification V4 01 2020. Collection method: clinical testing. Allele origin: germline. Inheritance: Autosomal dominant inheritance. Affected: yes. Observed: 1 variant allele.
Comment: ACMG Criteria: PS1_SUP, PM2_SUP, PM5_SUP, PP3, BP1 (ACMG Version 4)